The following is an entry in ClinVar:

NM_001128148.3(TFRC):c.1675G>A (p.Glu559Lys)

Gene: TFRC (transferrin receptor; minus strand). Cytogenetic location: 3q29.
Variant type: single nucleotide variant.
Coding change: c.1675G>A on transcript NM_001128148.3 (MANE Select); coding-DNA position 1675, G replaced by A.
Protein change: p.Glu559Lys; replaces glutamic acid 559 with lysine.
Molecular consequence: missense variant.
Genome position (GRCh38, 1-based): chr3:196,058,286, C>T on the plus strand (G>A on the coding strand, the complement: TFRC is on the minus strand). VCF-style: chr3-196058286-C-T. GRCh37 (hg19) VCF-style: chr3-195785157-C-T.
Other names: c.1432G>A, p.Glu478Lys (NM_001313965.2); c.829G>A, p.Glu277Lys (NM_001313966.2); c.1675G>A, p.Glu559Lys (NM_003234.4); short protein forms E277K, E478K, E559K.
Identifiers: ClinVar variation 2037168 (VCV002037168.4), dbSNP rs1716982657, ClinGen allele CA355565875.

ClinVar aggregate classification (germline): Uncertain significance (1 of 4 stars; one submission).

gnomAD v4.1: 1 of 1,613,438 alleles (0.000062%); highest among the groups gnomAD compares: African/African-American, 0.0013%; no homozygotes.

Submission:

Labcorp Genetics (formerly Invitae), Labcorp
Classification: Uncertain significance. Last evaluated: 2024-12-19. Review status: criteria provided, single submitter. Criteria: Invitae Variant Classification Sherloc (09022015). Collection method: clinical testing. Allele origin: germline.
Comment: This sequence change replaces glutamic acid, which is acidic and polar, with lysine, which is basic and polar, at codon 559 of the TFRC protein (p.Glu559Lys). This variant is not present in population databases (gnomAD no frequency). This variant has not been reported in the literature in individuals affected with TFRC-related conditions. ClinVar contains an entry for this variant (Variation ID: 2037168). An algorithm developed to predict the effect of missense changes on protein structure and function (PolyPhen-2) suggests that this variant is likely to be tolerated. In summary, the available evidence is currently insufficient to determine the role of this variant in disease. Therefore, it has been classified as a Variant of Uncertain Significance.